The following is an entry in ClinVar:

NM_007186.6(CEP250):c.4858G>T (p.Val1620Phe)

Gene: CEP250 (centrosomal protein 250; plus strand). Cytogenetic location: 20q11.22.
Variant type: single nucleotide variant.
Coding change: c.4858G>T on transcript NM_007186.6 (MANE Select); coding-DNA position 4858, G replaced by T.
Protein change: p.Val1620Phe; replaces valine 1620 with phenylalanine.
Molecular consequence: missense variant.
Genome position (GRCh38, 1-based): chr20:35,503,227, G>T. VCF-style: chr20-35503227-G-T. GRCh37 (hg19) VCF-style: chr20-34091055-G-T.
Other names: c.2962G>T, p.Val988Phe (NM_001318219.1); short protein forms V988F, V1620F.
Identifiers: ClinVar variation 1449381 (VCV001449381.5), dbSNP rs770116371, ClinGen allele CA9833774.

ClinVar aggregate classification (germline): Uncertain significance (1 of 4 stars; one submission).

Allele frequency attached by ClinVar (database versions not stated): gnomAD 0.00001.
gnomAD v4.1: 6 of 1,614,024 alleles (0.00037%); highest among the groups gnomAD compares: Admixed American, 0.0033%; no homozygotes.

Submission:

Labcorp Genetics (formerly Invitae), Labcorp
Classification: Uncertain significance. Last evaluated: 2022-08-16. Review status: criteria provided, single submitter. Criteria: Invitae Variant Classification Sherloc (09022015). Collection method: clinical testing. Allele origin: germline.
Comment: This sequence change replaces valine, which is neutral and non-polar, with phenylalanine, which is neutral and non-polar, at codon 1620 of the CEP250 protein (p.Val1620Phe). This variant is present in population databases (rs770116371, gnomAD 0.002%). This variant has not been reported in the literature in individuals affected with CEP250-related conditions. ClinVar contains an entry for this variant (Variation ID: 1449381). Algorithms developed to predict the effect of missense changes on protein structure and function output the following: SIFT: "Not Available"; PolyPhen-2: "Benign"; Align-GVGD: "Not Available". The phenylalanine amino acid residue is found in multiple mammalian species, which suggests that this missense change does not adversely affect protein function. In summary, the available evidence is currently insufficient to determine the role of this variant in disease. Therefore, it has been classified as a Variant of Uncertain Significance.